The following is an entry in ClinVar:

ClinVar aggregate classification (germline): Likely benign. Review status: criteria provided, multiple submitters, no conflicts (2 of 4 stars). 5 submissions from 5 submitters: Likely benign (4). 1 of the submissions does not count toward it. Last evaluated 2026-01-22.

Conditions:
Inflammatory bowel disease 25. Also called: Inflammatory bowel disease 25, early onset, autosomal recessive. Identifiers: Orphanet 238569, MedGen C2675508, MONDO:0012941, OMIM 612567.
IL10RB-related disorder. Also called: IL10RB-related condition.

Allele frequency attached by ClinVar (database versions not stated): gnomAD exomes 0.00040 and 0.00072; ExAC 0.00086; gnomAD 0.00271 and 0.00286; TOPMed 0.00315; ESP Exome Variant Server 0.00331; 1000 Genomes Project 0.00359; 1000 Genomes Project 30x 0.00375.
gnomAD v4.1: 1,006 of 1,613,932 alleles (0.062%); highest among the groups gnomAD compares: African/African-American, 0.93%; 3 homozygotes.

Submissions (5):

Labcorp Genetics (formerly Invitae), Labcorp
Classification: Likely benign for Inflammatory bowel disease 25. Last evaluated: 2026-01-22. Review status: criteria provided, single submitter. Criteria: Invitae Variant Classification Sherloc (09022015). Collection method: clinical testing. Allele origin: germline.

Blueprint Genetics
Classification: Likely benign. Last evaluated: 2024-08-28. Review status: criteria provided, single submitter. Criteria: ACMG Guidelines, 2015. Collection method: clinical testing. Allele origin: germline.

Illumina Laboratory Services, Illumina
Classification: Likely benign for Inflammatory bowel disease 25. Last evaluated: 2018-01-13. Review status: criteria provided, single submitter. Criteria: ICSL Variant Classification Criteria 13 December 2019. Collection method: clinical testing. Allele origin: germline.
Comment: This variant was observed in the ICSL laboratory as part of a predisposition screen in an ostensibly healthy population. It had not been previously curated by ICSL or reported in the Human Gene Mutation Database (HGMD: prior to June 1st, 2018), and was therefore a candidate for classification through an automated scoring system. Utilizing variant allele frequency, disease prevalence and penetrance estimates, and inheritance mode, an automated score was calculated to assess if this variant is too frequent to cause the disease. Based on the score and internal cut-off values, a variant classified as likely benign is not then subjected to further curation. The score for this variant resulted in a classification of likely benign for this disease.

Breakthrough Genomics
Classification: Likely benign. Review status: criteria provided, single submitter. Criteria: ACMG Guidelines, 2015. Collection method: not provided. Allele origin: germline. Inheritance: Autosomal recessive inheritance. Affected: yes.

PreventionGenetics, part of Exact Sciences
Classification: Benign for IL10RB-related condition. Last evaluated: 2023-12-19. Review status: no assertion criteria provided. Collection method: clinical testing. Allele origin: germline. Not counted in ClinVar's aggregate classification.
Comment: This variant is classified as benign based on ACMG/AMP sequence variant interpretation guidelines (Richards et al. 2015 PMID: 25741868, with internal and published modifications).

NM_000628.5(IL10RB):c.73G>A (p.Glu25Lys)

Genes: IFNAR2-IL10RB (IFNAR2-IL10RB readthrough; plus strand), IL10RB (interleukin 10 receptor subunit beta; plus strand). Cytogenetic location: 21q22.11.
Variant type: single nucleotide variant.
Coding change: c.73G>A on transcript NM_000628.5 (MANE Select); coding-DNA position 73, G replaced by A.
Protein change: p.Glu25Lys; replaces glutamic acid 25 with lysine.
Molecular consequence: missense variant.
Genome position (GRCh38, 1-based): chr21:33,268,417, G>A. VCF-style: chr21-33268417-G-A. GRCh37 (hg19) VCF-style: chr21-34640722-G-A.
Other names: short protein forms E25K.
Identifiers: ClinVar variation 339691 (VCV000339691.19), dbSNP rs80027572, ClinGen allele CA10006067.
Genomic context (GRCh38, chr21:33,268,417, plus strand): 5'-GAGAAAAGTTGTAAATGTTTTTGTCTTATTTTCATAGCATTGGGAATGGTACCACCTCCC[G>A]AAAATGTCAGAATGAATTCTGTTAATTTCAAGAACATTCTACAGTGGGAGTCACCTGCTT-3'
Protein context (NP_000619.3, residues 15-35): VSALGMVPPP[Glu25Lys]NVRMNSVNFK